The following is an entry in ClinVar:

ClinVar aggregate classification (germline): Uncertain significance. Review status: criteria provided, multiple submitters, no conflicts (2 of 4 stars). 2 submissions from 2 submitters: Uncertain significance (2). Last evaluated 2025-08-30.

Conditions:
Primary ciliary dyskinesia. Also called: Ciliary dyskinesia. Identifiers: Orphanet 244, MedGen C0008780, MONDO:0016575, HP:0012265.

Allele frequency attached by ClinVar (database versions not stated): ExAC 0.00002; gnomAD exomes 0.00003; ESP Exome Variant Server 0.00008.
gnomAD v4.1: 37 of 1,613,862 alleles (0.0023%); highest among the groups gnomAD compares: Non-Finnish European, 0.0031%; no homozygotes.

Submissions (2):

Ambry Genetics
Classification: Uncertain significance for Primary ciliary dyskinesia. Last evaluated: 2025-08-30. Review status: criteria provided, single submitter. Criteria: Ambry Variant Classification Scheme 2023. Collection method: clinical testing. Allele origin: germline.

Labcorp Genetics (formerly Invitae), Labcorp
Classification: Uncertain significance for Primary ciliary dyskinesia. Last evaluated: 2022-05-11. Review status: criteria provided, single submitter. Criteria: Invitae Variant Classification Sherloc (09022015). Collection method: clinical testing. Allele origin: germline.
Comment: This sequence change replaces proline, which is neutral and non-polar, with serine, which is neutral and polar, at codon 18 of the CCDC39 protein (p.Pro18Ser). This variant is present in population databases (rs374101424, gnomAD 0.007%). This variant has not been reported in the literature in individuals affected with CCDC39-related conditions. Algorithms developed to predict the effect of missense changes on protein structure and function (SIFT, PolyPhen-2, Align-GVGD) all suggest that this variant is likely to be disruptive. In summary, the available evidence is currently insufficient to determine the role of this variant in disease. Therefore, it has been classified as a Variant of Uncertain Significance.

NM_181426.2(CCDC39):c.52C>T (p.Pro18Ser)

Gene: CCDC39 (coiled-coil domain 39 molecular ruler complex subunit; minus strand). Cytogenetic location: 3q26.33.
Variant type: single nucleotide variant.
Coding change: c.52C>T on transcript NM_181426.2 (MANE Select); coding-DNA position 52, C replaced by T.
Protein change: p.Pro18Ser; replaces proline 18 with serine.
Molecular consequence: missense variant.
Genome position (GRCh38, 1-based): chr3:180,679,329, G>A on the plus strand (C>T on the coding strand, the complement: CCDC39 is on the minus strand). VCF-style: chr3-180679329-G-A. GRCh37 (hg19) VCF-style: chr3-180397117-G-A.
Other names: c.52C>T (NM_181426.1); short protein forms P18S.
Identifiers: ClinVar variation 1986255 (VCV001986255.2), dbSNP rs374101424, ClinGen allele CA2716266.